The following is an entry in ClinVar:

NM_001097577.3(ANG):c.95_96del (p.His32fs)

Genes: EGILA (EGFR interacting lncRNA; minus strand), RNASE4 (ribonuclease A family member 4; plus strand), ANG (angiogenin; plus strand). Cytogenetic location: 14q11.2.
Variant type: Microsatellite.
Coding change: c.95_96del on transcript NM_001097577.3 (MANE Select); coding-DNA positions 95 to 96, 2 bases deleted (AC; older notation c.95_96delAC).
Protein change: p.His32fs; shifts the reading frame from histidine 32.
Molecular consequence: frameshift variant. On other transcripts: non-coding transcript variant (1), intron variant (4).
Genome position (GRCh38, 1-based): chr14:20,693,659-20,693,660, AC deleted; deleting any 2 consecutive bases within chr14:20,693,653-20,693,660 gives the same sequence; the c. name uses the placement nearest the transcript's 3' end. VCF-style (leftmost placement, unchanged base first): chr14-20693652-TAC-T. GRCh37 (hg19) VCF-style: chr14-21161811-TAC-T.
Other names: c.95_96del, p.His32fs (NM_001145.4, NM_001385271.1, NM_001385272.1 and 2 more transcripts); c.-18+3AC[3] (NM_001282192.2); c.-17-5702AC[3] (NM_002937.5, NM_001282193.2); c.-18+4779AC[3] (NM_194431.3); short protein forms H32fs.
Identifiers: ClinVar variation 4811672 (VCV004811672.1).
Genomic context (GRCh38, chr14:20,693,652, plus strand): 5'-TTGGTCTTCGTGCTGGGTCTGGGTCTGACCCCACCGACCCTGGCTCAGGATAACTCCAGG[TAC>T]ACACACTTCCTGACCCAGCACTATGATGCCAAACCACAGGGCCGGGATGACAGATACTGT-3'

ClinVar aggregate classification (germline): Uncertain significance (1 of 4 stars; one submission).

Submission:

Labcorp Genetics (formerly Invitae), Labcorp
Classification: Uncertain significance. Last evaluated: 2025-07-23. Review status: criteria provided, single submitter. Criteria: Invitae Variant Classification Sherloc (09022015). Collection method: clinical testing. Allele origin: germline.
Comment: This sequence change creates a premature translational stop signal (p.His32Leufs*7) in the ANG gene. While this is not anticipated to result in nonsense mediated decay, it is expected to disrupt the last 116 amino acid(s) of the ANG protein. This variant is present in population databases (rs746835738, gnomAD 0.004%). This variant has not been reported in the literature in individuals affected with ANG-related conditions. Experimental studies and prediction algorithms are not available or were not evaluated, and the functional significance of this variant is currently unknown. In summary, the available evidence is currently insufficient to determine the role of this variant in disease. Therefore, it has been classified as a Variant of Uncertain Significance.